The following is an entry in ClinVar:

ClinVar aggregate classification (germline): Uncertain significance (1 of 4 stars; one submission).

Submission:

Labcorp Genetics (formerly Invitae), Labcorp
Classification: Uncertain significance. Last evaluated: 2024-04-10. Review status: criteria provided, single submitter. Criteria: Invitae Variant Classification Sherloc (09022015). Collection method: clinical testing. Allele origin: germline.
Comment: This sequence change replaces asparagine, which is neutral and polar, with lysine, which is basic and polar, at codon 518 of the POLE protein (p.Asn518Lys). This variant is not present in population databases (gnomAD no frequency). This variant has not been reported in the literature in individuals affected with POLE-related conditions. ClinVar contains an entry for this variant (Variation ID: 572204). Advanced modeling of protein sequence and biophysical properties (such as structural, functional, and spatial information, amino acid conservation, physicochemical variation, residue mobility, and thermodynamic stability) performed at Invitae indicates that this missense variant is expected to disrupt POLE protein function with a positive predictive value of 80%. In summary, the available evidence is currently insufficient to determine the role of this variant in disease. Therefore, it has been classified as a Variant of Uncertain Significance.

NM_006231.4(POLE):c.1554C>A (p.Asn518Lys)

Gene: POLE (DNA polymerase epsilon, catalytic subunit; minus strand). Cytogenetic location: 12q24.33.
Variant type: single nucleotide variant.
Coding change: c.1554C>A on transcript NM_006231.4 (MANE Select); coding-DNA position 1554, C replaced by A.
Protein change: p.Asn518Lys; replaces asparagine 518 with lysine.
Molecular consequence: missense variant.
Genome position (GRCh38, 1-based): chr12:132,672,759, G>T on the plus strand (C>A on the coding strand, the complement: POLE is on the minus strand). VCF-style: chr12-132672759-G-T. GRCh37 (hg19) VCF-style: chr12-133249345-G-T.
Other names: short protein forms N518K.
Identifiers: ClinVar variation 572204 (VCV000572204.8), dbSNP rs1251796496, ClinGen allele CA387357157.